The following is an entry in ClinVar:

ClinVar aggregate classification (germline): Uncertain significance. Review status: criteria provided, multiple submitters, no conflicts (2 of 4 stars). 2 submissions from 2 submitters: Uncertain significance (2). Last evaluated 2025-03-31.

Conditions:
Inborn genetic diseases. Identifiers: MedGen C0950123, MeSH D030342.

Allele frequency attached by ClinVar (database versions not stated): gnomAD exomes below 0.00001.
gnomAD v4.1: 1 of 1,613,054 alleles (0.000062%); highest among the groups gnomAD compares: South Asian, 0.0011%; no homozygotes.

Submissions (2):

Ambry Genetics
Classification: Uncertain significance for Inborn genetic diseases. Last evaluated: 2025-03-31. Review status: criteria provided, single submitter. Criteria: Ambry Variant Classification Scheme 2023. Collection method: clinical testing. Allele origin: germline.

Labcorp Genetics (formerly Invitae), Labcorp
Classification: Uncertain significance. Last evaluated: 2024-02-14. Review status: criteria provided, single submitter. Criteria: Invitae Variant Classification Sherloc (09022015). Collection method: clinical testing. Allele origin: germline.
Comment: This sequence change replaces arginine, which is basic and polar, with cysteine, which is neutral and slightly polar, at codon 73 of the IGF2 protein (p.Arg73Cys). This variant is present in population databases (no rsID available, gnomAD 0.003%). This variant has not been reported in the literature in individuals affected with IGF2-related conditions. An algorithm developed to predict the effect of missense changes on protein structure and function (PolyPhen-2) suggests that this variant is likely to be tolerated. In summary, the available evidence is currently insufficient to determine the role of this variant in disease. Therefore, it has been classified as a Variant of Uncertain Significance.

NM_000612.6(IGF2):c.217C>T (p.Arg73Cys)

Genes: INS-IGF2 (INS-IGF2 readthrough; minus strand), IGF2 (insulin like growth factor 2; minus strand). Cytogenetic location: 11p15.5.
Variant type: single nucleotide variant.
Coding change: c.217C>T on transcript NM_000612.6 (MANE Select); coding-DNA position 217, C replaced by T.
Protein change: p.Arg73Cys; replaces arginine 73 with cysteine.
Molecular consequence: missense variant. On other transcripts: non-coding transcript variant (1).
Genome position (GRCh38, 1-based): chr11:2,133,606, G>A on the plus strand (C>T on the coding strand, the complement: IGF2 is on the minus strand). VCF-style: chr11-2133606-G-A. GRCh37 (hg19) VCF-style: chr11-2154836-G-A.
Other names: c.217C>T, p.Arg73Cys (NM_001007139.6, NM_001291861.3, NM_001291862.3); c.385C>T, p.Arg129Cys (NM_001127598.3); c.385C>T (NM_001127598.1); short protein forms R73C, R129C.
Identifiers: ClinVar variation 2731930 (VCV002731930.4), dbSNP rs1383314827, ClinGen allele CA379113609.
Genomic context (GRCh38, chr11:2,133,606, plus strand): 5'-CCCTCTCGGACTTGGCGGGGGTAGCACAGTACGTCTCCAGGAGGGCCAGGTCACAGCTGC[G>A]GAAACAGCACTCCTCAACGATGCCACGGCTGCGACGGCTCACACGGCTTGCGGGCCTGCC-3'
Protein context (NP_000603.1, residues 63-83): SRGIVEECCF[Arg73Cys]SCDLALLETY